The following is an entry in ClinVar:

NM_152468.5(TMC8):c.1637C>T (p.Ala546Val)

Gene: TMC8 (transmembrane channel like 8; plus strand). Cytogenetic location: 17q25.3.
Variant type: single nucleotide variant.
Coding change: c.1637C>T on transcript NM_152468.5 (MANE Select); coding-DNA position 1637, C replaced by T.
Protein change: p.Ala546Val; replaces alanine 546 with valine.
Molecular consequence: missense variant.
Genome position (GRCh38, 1-based): chr17:78,138,452, C>T. VCF-style: chr17-78138452-C-T. GRCh37 (hg19) VCF-style: chr17-76134533-C-T.
Other names: short protein forms A546V.
Identifiers: ClinVar variation 654083 (VCV000654083.10), dbSNP rs1290549286, ClinGen allele CA401251498.

ClinVar aggregate classification (germline): Uncertain significance (1 of 4 stars; one submission).

Conditions:
Epidermodysplasia verruciformis. Identifiers: Orphanet 302, MedGen C0014522, MONDO:0009176.

Allele frequency attached by ClinVar (database versions not stated): gnomAD exomes below 0.00001 and 0.00001; TOPMed 0.00002; gnomAD 0.00003.
gnomAD v4.1: 20 of 1,613,042 alleles (0.0012%); highest among the groups gnomAD compares: East Asian, 0.0067%; no homozygotes.

Submission:

Labcorp Genetics (formerly Invitae), Labcorp
Classification: Uncertain significance for Epidermodysplasia verruciformis. Last evaluated: 2018-11-05. Review status: criteria provided, single submitter. Criteria: Invitae Variant Classification Sherloc (09022015). Collection method: clinical testing. Allele origin: germline.
Comment: In summary, the available evidence is currently insufficient to determine the role of this variant in disease. Therefore, it has been classified as a Variant of Uncertain Significance. Algorithms developed to predict the effect of missense changes on protein structure and function output the following: SIFT: "Tolerated"; PolyPhen-2: "Benign"; Align-GVGD: "Class C0". The valine amino acid residue is found in multiple mammalian species, suggesting that this missense change does not adversely affect protein function. These predictions have not been confirmed by published functional studies and their clinical significance is uncertain. This variant has not been reported in the literature in individuals with TMC8-related disease. This variant is not present in population databases (ExAC no frequency). This sequence change replaces alanine with valine at codon 546 of the TMC8 protein (p.Ala546Val). The alanine residue is weakly conserved and there is a small physicochemical difference between alanine and valine.